The following is an entry in ClinVar:

ClinVar aggregate classification (germline): Uncertain significance. Review status: criteria provided, multiple submitters, no conflicts (2 of 4 stars). 2 submissions from 2 submitters: Uncertain significance (2). Last evaluated 2025-02-08.

Conditions:
Inborn genetic diseases. Identifiers: MedGen C0950123, MeSH D030342.

gnomAD v4.1: 35 of 1,613,970 alleles (0.0022%); highest among the groups gnomAD compares: Non-Finnish European, 0.0028%; no homozygotes.

Submissions (2):

Ambry Genetics
Classification: Uncertain significance for Inborn genetic diseases. Last evaluated: 2025-02-08. Review status: criteria provided, single submitter. Criteria: Ambry Variant Classification Scheme 2023. Collection method: clinical testing. Allele origin: germline.

Greenwood Genetic Center Diagnostic Laboratories, Greenwood Genetic Center
Classification: Uncertain significance. Last evaluated: 2024-08-07. Review status: criteria provided, single submitter. Criteria: ACMG Guidelines, 2015. Collection method: clinical testing. Allele origin: germline. Affected: yes.
Comment: PM2, BP4, PP2

NM_003922.4(HERC1):c.11838T>A (p.Phe3946Leu)

Gene: HERC1 (HECT and RLD domain containing E3 ubiquitin protein ligase family member 1; minus strand). Cytogenetic location: 15q22.31.
Variant type: single nucleotide variant.
Coding change: c.11838T>A on transcript NM_003922.4 (MANE Select); coding-DNA position 11838, T replaced by A.
Protein change: p.Phe3946Leu; replaces phenylalanine 3946 with leucine.
Molecular consequence: missense variant.
Genome position (GRCh38, 1-based): chr15:63,640,215, A>T on the plus strand (T>A on the coding strand, the complement: HERC1 is on the minus strand). VCF-style: chr15-63640215-A-T. GRCh37 (hg19) VCF-style: chr15-63932414-A-T.
Other names: c.11838T>A (NM_003922.3); short protein forms F3946L.
Identifiers: ClinVar variation 3765567 (VCV003765567.2).